The following is an entry in ClinVar:

NM_002485.5(NBN):c.702+1G>A

Gene: NBN (nibrin; minus strand). Cytogenetic location: 8q21.3.
Variant type: single nucleotide variant.
Coding change: c.702+1G>A on transcript NM_002485.5 (MANE Select); the canonical splice donor site of the intron after coding-DNA position 702, G replaced by A.
Molecular consequence: splice donor variant.
Genome position (GRCh38, 1-based): chr8:89,971,172, C>T on the plus strand (G>A on the coding strand, the complement: NBN is on the minus strand). VCF-style: chr8-89971172-C-T. GRCh37 (hg19) VCF-style: chr8-90983400-C-T.
Other names: c.456+1G>A (NM_001024688.3).
Identifiers: ClinVar variation 371225 (VCV000371225.26), dbSNP rs1057517104, ClinGen allele CA16041210.

ClinVar aggregate classification (germline): Likely pathogenic. Review status: criteria provided, multiple submitters, no conflicts (2 of 4 stars). 4 submissions from 4 submitters: Likely pathogenic (2). 2 of the submissions do not count toward it. Last evaluated 2022-08-11.

Conditions:
Gastric cancer. Also called: Malignant tumor of stomach; Stomach cancer. Identifiers: MedGen C0024623, MeSH D013274, MONDO:0001056, OMIM 613659, HP:0012126.
Hereditary cancer-predisposing syndrome. Also called: Neoplastic Syndromes, Hereditary; Hereditary Cancer Syndrome; Hereditary neoplastic syndrome; Tumor predisposition. Identifiers: Orphanet 140162, MedGen C0027672, MeSH D009386, MONDO:0015356.
Microcephaly, normal intelligence and immunodeficiency (NBS). Also called: IMMUNODEFICIENCY, MICROCEPHALY, AND CHROMOSOMAL INSTABILITY; BERLIN BREAKAGE SYNDROME; Ataxia telangiectasia variant V1; Nijmegen breakage syndrome; Immunodeficiency, microcephaly with normal intelligence; SEEMANOVA SYNDROME II. Identifiers: Orphanet 647, MedGen C0398791, MONDO:0009623, OMIM 251260.

Submissions (4):

Ambry Genetics
Classification: Likely pathogenic for Hereditary cancer-predisposing syndrome. Last evaluated: 2022-08-11. Review status: criteria provided, single submitter. Criteria: Ambry Variant Classification Scheme 2023. Collection method: clinical testing. Allele origin: germline.
Comment: The c.702+1G>A intronic variant results from a G to A substitution one nucleotide after coding exon 6 of the NBN gene. This alteration has been reported with a carrier frequency of 0.0000 in 7051 unselected breast cancer patients and 0.0009 in 11241 female controls of Japanese ancestry (Momozawa Y et al. Nat Commun. 2018 10;9:4083). This nucleotide position is highly conserved in available vertebrate species. In silico splice site analysis predicts that this alteration will weaken the native splice donor site. Alterations that disrupt the canonical splice site are expected to cause aberrant splicing, resulting in an abnormal protein or a transcript that is subject to nonsense-mediated mRNA decay. As such, this alteration is classified as likely pathogenic.

Labcorp Genetics (formerly Invitae), Labcorp
Classification: Likely pathogenic for Microcephaly, normal intelligence and immunodeficiency. Last evaluated: 2022-07-11. Review status: criteria provided, single submitter. Criteria: Invitae Variant Classification Sherloc (09022015). Collection method: clinical testing. Allele origin: germline.
Comment: In summary, the currently available evidence indicates that the variant is pathogenic, but additional data are needed to prove that conclusively. Therefore, this variant has been classified as Likely Pathogenic. Algorithms developed to predict the effect of sequence changes on RNA splicing suggest that this variant may disrupt the consensus splice site. ClinVar contains an entry for this variant (Variation ID: 371225). This variant has not been reported in the literature in individuals affected with NBN-related conditions. This variant is not present in population databases (gnomAD no frequency). This sequence change affects a donor splice site in intron 6 of the NBN gene. It is expected to disrupt RNA splicing. Variants that disrupt the donor or acceptor splice site typically lead to a loss of protein function (PMID: 16199547), and loss-of-function variants in NBN are known to be pathogenic (PMID: 9590180, 16415040).

Laboratory for Genotyping Development, RIKEN
Classification: Pathogenic for Gastric cancer. Last evaluated: 2021-07-01. Review status: no assertion criteria provided. Collection method: research. Allele origin: germline. Not counted in ClinVar's aggregate classification.

Counsyl
Classification: Likely pathogenic for Microcephaly, normal intelligence and immunodeficiency. Last evaluated: 2016-08-01. Review status: no assertion criteria provided. Collection method: clinical testing. Allele origin: unknown. Not counted in ClinVar's aggregate classification.

Literature cited by the submitters: PubMed 30287823 (cited by Ambry Genetics); PubMed 16199547 (cited by Labcorp Genetics (formerly Invitae), Labcorp); PubMed 9590180 (cited by Labcorp Genetics (formerly Invitae), Labcorp); PubMed 16415040 (cited by Labcorp Genetics (formerly Invitae), Labcorp); PubMed 36988593 (cited by Laboratory for Genotyping Development, RIKEN).